The following is an entry in ClinVar:

ClinVar aggregate classification (germline): Uncertain significance. Review status: criteria provided, multiple submitters, no conflicts (2 of 4 stars). 3 submissions from 3 submitters: Uncertain significance (3). Last evaluated 2023-06-23.

Conditions:
Microcephaly, normal intelligence and immunodeficiency (NBS). Also called: BERLIN BREAKAGE SYNDROME; Immunodeficiency, microcephaly with normal intelligence; Ataxia telangiectasia variant V1; Nijmegen breakage syndrome; Microcephaly with normal intelligence immunodeficiency and lymphoreticular malignancies; Nonsyndromal microcephaly autosomal recessive with normal intelligence. Identifiers: Orphanet 647, MedGen C0398791, MONDO:0009623, OMIM 251260.
Hereditary cancer-predisposing syndrome. Also called: Hereditary neoplastic syndrome; Neoplastic Syndromes, Hereditary; Hereditary Cancer Syndrome; Tumor predisposition. Identifiers: Orphanet 140162, MedGen C0027672, MeSH D009386, MONDO:0015356.

Submissions (3):

Labcorp Genetics (formerly Invitae), Labcorp
Classification: Uncertain significance for Microcephaly, normal intelligence and immunodeficiency. Last evaluated: 2023-06-23. Review status: criteria provided, single submitter. Criteria: Invitae Variant Classification Sherloc (09022015). Collection method: clinical testing. Allele origin: germline.
Comment: An algorithm developed to predict the effect of missense changes on protein structure and function (PolyPhen-2) suggests that this variant is likely to be tolerated. In summary, the available evidence is currently insufficient to determine the role of this variant in disease. Therefore, it has been classified as a Variant of Uncertain Significance. ClinVar contains an entry for this variant (Variation ID: 570193). This variant has not been reported in the literature in individuals affected with NBN-related conditions. This variant is not present in population databases (gnomAD no frequency). This sequence change replaces tyrosine, which is neutral and polar, with cysteine, which is neutral and slightly polar, at codon 197 of the NBN protein (p.Tyr197Cys).

Genome-Nilou Lab
Classification: Uncertain significance for Microcephaly, normal intelligence and immunodeficiency. Last evaluated: 2021-11-07. Review status: criteria provided, single submitter. Criteria: ACMG Guidelines, 2015. Collection method: clinical testing. Allele origin: germline. Affected: no.

Sema4
Classification: Uncertain significance for Hereditary cancer-predisposing syndrome. Last evaluated: 2021-09-30. Review status: criteria provided, single submitter. Criteria: Sema4 Curation Guidelines. Collection method: curation. Allele origin: germline.
Comment: The NBN c.590A>G (p.Y197C) variant has not been reported in the literature to our knowledge. It was not observed in the large and broad cohorts of the Genome Aggregation Database. The variant has been reported in ClinVar (Variation ID: 570193). Functional studies have not been performed, and in silico predictions of the variant's effect on protein function are inconclusive. The evidence is insufficient to meet ACMG/AMP criteria for classifying the variant as benign or pathogenic. Thus, the clinical significance of this variant is currently uncertain.

NM_002485.5(NBN):c.590A>G (p.Tyr197Cys)

Gene: NBN (nibrin; minus strand). Cytogenetic location: 8q21.3.
Variant type: single nucleotide variant.
Coding change: c.590A>G on transcript NM_002485.5 (MANE Select); coding-DNA position 590, A replaced by G.
Protein change: p.Tyr197Cys; replaces tyrosine 197 with cysteine.
Molecular consequence: missense variant.
Genome position (GRCh38, 1-based): chr8:89,971,285, T>C on the plus strand (A>G on the coding strand, the complement: NBN is on the minus strand). VCF-style: chr8-89971285-T-C. GRCh37 (hg19) VCF-style: chr8-90983513-T-C.
Other names: c.344A>G, p.Tyr115Cys (NM_001024688.3); short protein forms Y197C, Y115C.
Identifiers: ClinVar variation 570193 (VCV000570193.13), dbSNP rs1563562194, ClinGen allele CA371659331.
Genomic context (GRCh38, chr8:89,971,285, plus strand): 5'-TCCTGCCGTCCTGACAGATCAACATTTTTACTTCCAATAGATGGTTCATCAAGAGGTGGG[T>C]AAAAACTGTAAAAATAATTAAAGTATATTCTAATTATATACTACTATGTTTGCTATTAAA-3'
Protein context (NP_002476.2, residues 187-207): KKQPPQIESF[Tyr197Cys]PPLDEPSIGS